The following is an entry in ClinVar:

NM_006914.4(RORB):c.759G>A (p.Lys253=)

Gene: RORB (RAR related orphan receptor B; plus strand). Cytogenetic location: 9q21.13.
Variant type: single nucleotide variant.
Coding change: c.759G>A on transcript NM_006914.4 (MANE Select); coding-DNA position 759, G replaced by A.
Protein change: p.Lys253=; no amino-acid change (lysine 253 retained).
Molecular consequence: synonymous variant.
Genome position (GRCh38, 1-based): chr9:74,660,738, G>A. VCF-style: chr9-74660738-G-A. GRCh37 (hg19) VCF-style: chr9-77275654-G-A.
Other names: c.792G>A, p.Lys264= (NM_001365023.1).
Identifiers: ClinVar variation 2815128 (VCV002815128.4), dbSNP rs2489621920, ClinGen allele CA465550306.

ClinVar aggregate classification (germline): Uncertain significance. Review status: criteria provided, multiple submitters, no conflicts (2 of 4 stars). 2 submissions from 2 submitters: Uncertain significance (2). Last evaluated 2023-06-20.

Submissions (2):

Blueprint Genetics
Classification: Uncertain significance. Last evaluated: 2023-06-20. Review status: criteria provided, single submitter. Criteria: ACMG Guidelines, 2015. Collection method: clinical testing. Allele origin: germline.

Labcorp Genetics (formerly Invitae), Labcorp
Classification: Uncertain significance. Last evaluated: 2022-11-18. Review status: criteria provided, single submitter. Criteria: Invitae Variant Classification Sherloc (09022015). Collection method: clinical testing. Allele origin: germline.
Comment: This variant is not present in population databases (gnomAD no frequency). In summary, the available evidence is currently insufficient to determine the role of this variant in disease. Therefore, it has been classified as a Variant of Uncertain Significance. Variants that disrupt the consensus splice site are a relatively common cause of aberrant splicing (PMID: 17576681, 9536098). Algorithms developed to predict the effect of sequence changes on RNA splicing suggest that this variant may disrupt the consensus splice site. This variant has not been reported in the literature in individuals affected with RORB-related conditions. This sequence change affects codon 253 of the RORB mRNA. It is a 'silent' change, meaning that it does not change the encoded amino acid sequence of the RORB protein. This variant also falls at the last nucleotide of exon 5, which is part of the consensus splice site for this exon.

Literature cited by the submitters: PubMed 17576681 (cited by Labcorp Genetics (formerly Invitae), Labcorp); PubMed 9536098 (cited by Labcorp Genetics (formerly Invitae), Labcorp).